The following is an entry in ClinVar:

NM_153460.4(IL17RC):c.544G>A (p.Glu182Lys)

Gene: IL17RC (interleukin 17 receptor C; plus strand). Cytogenetic location: 3p25.3.
Variant type: single nucleotide variant.
Coding change: c.544G>A on transcript NM_153460.4 (MANE Select); coding-DNA position 544, G replaced by A.
Protein change: p.Glu182Lys; replaces glutamic acid 182 with lysine.
Molecular consequence: missense variant. On other transcripts: non-coding transcript variant (1).
Genome position (GRCh38, 1-based): chr3:9,920,569, G>A. VCF-style: chr3-9920569-G-A. GRCh37 (hg19) VCF-style: chr3-9962253-G-A.
Other names: c.544G>A, p.Glu182Lys (NM_001203263.2, NM_001203264.2, NM_001203265.2 and 4 more transcripts); c.469G>A, p.Glu157Lys (NM_001367279.1); c.757G>A, p.Glu253Lys (NM_153461.4); short protein forms E157K, E253K, E182K.
Identifiers: ClinVar variation 2146677 (VCV002146677.4), dbSNP rs201778000, ClinGen allele CA2246862.

ClinVar aggregate classification (germline): Uncertain significance (1 of 4 stars; one submission).

Conditions:
Candidiasis, familial, 9 (CANDF9). Identifiers: Orphanet 1334, MedGen C4225324, MONDO:0014642, OMIM 616445.

Allele frequency attached by ClinVar (database versions not stated): gnomAD 0.00001; TOPMed 0.00001; ExAC 0.00004; 1000 Genomes Project 0.00040; 1000 Genomes Project 30x 0.00047.

Submission:

Labcorp Genetics (formerly Invitae), Labcorp
Classification: Uncertain significance for Candidiasis, familial, 9. Last evaluated: 2022-01-17. Review status: criteria provided, single submitter. Criteria: Invitae Variant Classification Sherloc (09022015). Collection method: clinical testing. Allele origin: germline.
Comment: This variant has not been reported in the literature in individuals affected with IL17RC-related conditions. In summary, the available evidence is currently insufficient to determine the role of this variant in disease. Therefore, it has been classified as a Variant of Uncertain Significance. Algorithms developed to predict the effect of missense changes on protein structure and function output the following: SIFT: "Deleterious"; PolyPhen-2: "Benign"; Align-GVGD: "Class C0". The lysine amino acid residue is found in multiple mammalian species, which suggests that this missense change does not adversely affect protein function. This variant is present in population databases (rs201778000, gnomAD 0.04%). This sequence change replaces glutamic acid, which is acidic and polar, with lysine, which is basic and polar, at codon 253 of the IL17RC protein (p.Glu253Lys).